The following is an entry in ClinVar:

ClinVar aggregate classification (germline): Benign (1 of 4 stars; one submission).

Allele frequency attached by ClinVar (database versions not stated): 1000 Genomes Project 30x 0.00047; 1000 Genomes Project 0.00060; gnomAD 0.00207; ESP Exome Variant Server 0.00237.
gnomAD v4.1: 4,785 of 1,613,820 alleles (0.3%); highest among the groups gnomAD compares: South Asian, 0.38%; 20 homozygotes.

Submission:

CeGaT Center for Human Genetics Tuebingen
Classification: Benign. Last evaluated: 2022-06-01. Review status: criteria provided, single submitter. Criteria: CeGaT Center For Human Genetics Tuebingen Variant Classification Criteria Version 2. Collection method: clinical testing. Allele origin: germline. Affected: yes. Observed: 1 variant allele.
Comment: CSMD1: BS1, BS2

NM_033225.6(CSMD1):c.186C>A (p.Ile62=)

Gene: CSMD1 (CUB and Sushi multiple domains 1; minus strand). Cytogenetic location: 8p23.2.
Variant type: single nucleotide variant.
Coding change: c.186C>A on transcript NM_033225.6 (MANE Select); coding-DNA position 186, C replaced by A.
Protein change: p.Ile62=; no amino-acid change (isoleucine 62 retained).
Molecular consequence: synonymous variant.
Genome position (GRCh38, 1-based): chr8:4,637,458, G>T on the plus strand (C>A on the coding strand, the complement: CSMD1 is on the minus strand). VCF-style: chr8-4637458-G-T. GRCh37 (hg19) VCF-style: chr8-4494980-G-T.
Identifiers: ClinVar variation 2658349 (VCV002658349.24), dbSNP rs36074048, ClinGen allele CA4609818.